The following is an entry in ClinVar:

NM_001291415.2(KDM6A):c.1177C>T (p.Arg393Ter)

Gene: KDM6A (lysine demethylase 6A; plus strand). Cytogenetic location: Xp11.3.
Variant type: single nucleotide variant.
Coding change: c.1177C>T on transcript NM_001291415.2 (MANE Select); coding-DNA position 1177, C replaced by T.
Protein change: p.Arg393Ter; replaces arginine 393 with a stop codon.
Molecular consequence: nonsense. On other transcripts: non-coding transcript variant (1).
Genome position (GRCh38, 1-based): chrX:45,059,449, C>T. VCF-style: chrX-45059449-C-T. GRCh37 (hg19) VCF-style: chrX-44918694-C-T.
Other names: c.1177C>T, p.Arg393Ter (NM_001291416.2, NM_001291417.2, NM_001291418.2 and 1 more transcripts); c.424C>T, p.Arg142Ter (NM_001291421.2); short protein forms R142*, R393*.
Identifiers: ClinVar variation 1452097 (VCV001452097.6), dbSNP rs2147963446, ClinGen allele CA412782971.

ClinVar aggregate classification (germline): Pathogenic (1 of 4 stars; one submission).

Conditions:
Kabuki syndrome 2 (KABUK2). Also called: KDM6A-Related Kabuki Syndrome. Identifiers: Orphanet 2322, MedGen C3275495, MONDO:0010465, OMIM 300867.

Submission:

Labcorp Genetics (formerly Invitae), Labcorp
Classification: Pathogenic for Kabuki syndrome 2. Last evaluated: 2021-07-15. Review status: criteria provided, single submitter. Criteria: Invitae Variant Classification Sherloc (09022015). Collection method: clinical testing. Allele origin: germline.
Comment: For these reasons, this variant has been classified as Pathogenic. This variant has not been reported in the literature in individuals affected with KDM6A-related conditions. This sequence change creates a premature translational stop signal (p.Arg393*) in the KDM6A gene. It is expected to result in an absent or disrupted protein product. Loss-of-function variants in KDM6A are known to be pathogenic (PMID: 23076834, 23913813). This variant is not present in population databases (ExAC no frequency).

Literature cited by the submitters: PubMed 23076834; PubMed 23913813.